The following is an entry in ClinVar:

ClinVar aggregate classification (germline): Pathogenic (1 of 4 stars; one submission).

Conditions:
Pyridoxine-dependent epilepsy (EPEO4). Also called: Pyridoxine-Dependent Seizures; Pyridoxine-Dependent Epilepsy - ALDH7A1; PYRIDOXINE DEPENDENCY WITH SEIZURES; EPILEPSY, EARLY-ONSET, 4, VITAMIN B6-DEPENDENT. Identifiers: Orphanet 3006, MedGen C1849508, MONDO:0009945, OMIM 266100. Disease mechanism: loss of function.

gnomAD v4.1: 4 of 1,614,174 alleles (0.00025%); highest among the groups gnomAD compares: Non-Finnish European, 0.00034%; no homozygotes.

Submission:

Labcorp Genetics (formerly Invitae), Labcorp
Classification: Pathogenic for Pyridoxine-dependent epilepsy. Last evaluated: 2020-01-20. Review status: criteria provided, single submitter. Criteria: Invitae Variant Classification Sherloc (09022015). Collection method: clinical testing. Allele origin: germline.
Comment: This variant has been observed in individual(s) with clinical features of pyridoxine-dependent epilepsy (PMID: 23430810, 22529283, 27438048). It has also been observed to segregate with disease in related individuals. This variant is present in population databases (rs201948406, ExAC 0.001%). This sequence change affects codon 278 of the ALDH7A1 mRNA. It is a 'silent' change, meaning that it does not change the encoded amino acid sequence of the ALDH7A1 protein. Algorithms developed to predict the effect of sequence changes on RNA splicing suggest that this variant is not likely to affect RNA splicing, but this prediction has not been confirmed by published transcriptional studies. For these reasons, this variant has been classified as Pathogenic.

Literature cited by the submitters: PubMed 23430810; PubMed 22529283; PubMed 27438048.

NM_001182.5(ALDH7A1):c.834G>C (p.Val278=)

Gene: ALDH7A1 (aldehyde dehydrogenase 7 family member A1; minus strand). Cytogenetic location: 5q23.2.
Variant type: single nucleotide variant.
Coding change: c.834G>C on transcript NM_001182.5 (MANE Select); coding-DNA position 834, G replaced by C.
Protein change: p.Val278=; no amino-acid change (valine 278 retained).
Molecular consequence: synonymous variant.
Genome position (GRCh38, 1-based): chr5:126,568,296, C>G on the plus strand (G>C on the coding strand, the complement: ALDH7A1 is on the minus strand). VCF-style: chr5-126568296-C-G. GRCh37 (hg19) VCF-style: chr5-125903988-C-G.
Other names: c.750G>C, p.Val250= (NM_001201377.2); c.834G>C, p.Val278= (NM_001202404.2).
Identifiers: ClinVar variation 1074016 (VCV001074016.10), dbSNP rs201948406, ClinGen allele CA3389642.